The following is an entry in ClinVar:

NM_001754.5(RUNX1):c.1261G>T (p.Gly421Cys)

Gene: RUNX1 (RUNX family transcription factor 1; minus strand). Cytogenetic location: 21q22.12.
Variant type: single nucleotide variant.
Coding change: c.1261G>T on transcript NM_001754.5 (MANE Select); coding-DNA position 1261, G replaced by T.
Protein change: p.Gly421Cys; replaces glycine 421 with cysteine.
Molecular consequence: missense variant.
Genome position (GRCh38, 1-based): chr21:34,792,317, C>A on the plus strand (G>T on the coding strand, the complement: RUNX1 is on the minus strand). VCF-style: chr21-34792317-C-A. GRCh37 (hg19) VCF-style: chr21-36164614-C-A.
Other names: NM_001754.5(RUNX1):c.1261G>T; p.Gly421Cys; c.1180G>T, p.Gly394Cys (NM_001001890.3); short protein forms G421C, G394C.
Identifiers: ClinVar variation 3791479 (VCV003791479.1).

ClinVar aggregate classification (germline): Uncertain significance. Review status: reviewed by expert panel (3 of 4 stars). 2 submissions from 2 submitters: Uncertain significance (1). 1 of the submissions does not count toward it. Last evaluated 2025-07-11.

Conditions:
Hereditary thrombocytopenia and hematologic cancer predisposition syndrome. Identifiers: Orphanet 71290, MedGen CN281654, MONDO:0011071.
Inborn genetic diseases. Identifiers: MedGen C0950123, MeSH D030342.

Submissions (2):

ClinGen Myeloid Malignancy Variant Curation Expert Panel
Classification: Uncertain significance for Hereditary thrombocytopenia and hematologic cancer predisposition syndrome. Last evaluated: 2025-07-11. Review status: reviewed by expert panel. Criteria: ClinGen MyeloMalig ACMG Specifications v2. Collection method: curation. Allele origin: germline. Inheritance: Autosomal dominant inheritance.
Comment: NM_001754.5(RUNX1):c.1261G>T (p.Gly421Cys) is a missense variant which is completely absent from all population databases with at least 20x coverage for RUNX1 (PM2_Supporting). In summary, the clinical significance of this variant is uncertain. ACMG/AMP criteria applied, as specified by the Myeloid Malignancy Variant Curation Expert Panel for RUNX1: PM2_supporting.

Ambry Genetics
Classification: Uncertain significance for Inborn genetic diseases. Last evaluated: 2025-01-19. Review status: criteria provided, single submitter. Criteria: Ambry Variant Classification Scheme 2023. Collection method: clinical testing. Allele origin: germline. Not counted in ClinVar's aggregate classification.
Comment: The p.G421C variant (also known as c.1261G>T), located in coding exon 8 of the RUNX1 gene, results from a G to T substitution at nucleotide position 1261. The glycine at codon 421 is replaced by cysteine, an amino acid with highly dissimilar properties. This amino acid position is conserved. In addition, the in silico prediction for this alteration is inconclusive. Based on the available evidence, the clinical significance of this variant remains unclear.